The following is an entry in ClinVar:

NM_203446.3(SYNJ1):c.2396G>C (p.Cys799Ser)

Gene: SYNJ1 (synaptojanin 1; minus strand). Cytogenetic location: 21q22.11.
Variant type: single nucleotide variant.
Coding change: c.2396G>C on transcript NM_203446.3 (MANE Select); coding-DNA position 2396, G replaced by C.
Protein change: p.Cys799Ser; replaces cysteine 799 with serine.
Molecular consequence: missense variant.
Genome position (GRCh38, 1-based): chr21:32,657,781, C>G on the plus strand (G>C on the coding strand, the complement: SYNJ1 is on the minus strand). VCF-style: chr21-32657781-C-G. GRCh37 (hg19) VCF-style: chr21-34030091-C-G.
Other names: c.2396G>C, p.Cys799Ser (NM_001160302.2); c.2381G>C, p.Cys794Ser (NM_001160306.2); c.2513G>C, p.Cys838Ser (NM_003895.4); short protein forms C838S, C794S, C799S.
Identifiers: ClinVar variation 1419799 (VCV001419799.6), dbSNP rs148265063, ClinGen allele CA10003672.

ClinVar aggregate classification (germline): Uncertain significance (1 of 4 stars; one submission).

Conditions:
Developmental and epileptic encephalopathy, 53. Also called: Epileptic encephalopathy, early infantile, 53. Identifiers: MedGen C4479313, MONDO:0033362, OMIM 617389.
Early-onset Parkinson disease 20. Also called: PARKINSON DISEASE 20, AUTOSOMAL RECESSIVE EARLY-ONSET. Identifiers: Orphanet 391411, MedGen C3809824, MONDO:0014233, OMIM 615530.

Allele frequency attached by ClinVar (database versions not stated): gnomAD exomes below 0.00001; ExAC 0.00001; TOPMed 0.00001; gnomAD 0.00003 and 0.00004; ESP Exome Variant Server 0.00008.
gnomAD v4.1: 9 of 1,614,072 alleles (0.00056%); highest among the groups gnomAD compares: African/African-American, 0.012%; no homozygotes.

Submission:

Labcorp Genetics (formerly Invitae), Labcorp
Classification: Uncertain significance for Developmental and epileptic encephalopathy, 53; Early-onset Parkinson disease 20. Last evaluated: 2022-07-26. Review status: criteria provided, single submitter. Criteria: Invitae Variant Classification Sherloc (09022015). Collection method: clinical testing. Allele origin: germline.
Comment: In summary, the available evidence is currently insufficient to determine the role of this variant in disease. Therefore, it has been classified as a Variant of Uncertain Significance. Algorithms developed to predict the effect of missense changes on protein structure and function are either unavailable or do not agree on the potential impact of this missense change (SIFT: "Tolerated"; PolyPhen-2: "Possibly Damaging"; Align-GVGD: "Class C0"). ClinVar contains an entry for this variant (Variation ID: 1419799). This variant has not been reported in the literature in individuals affected with SYNJ1-related conditions. This variant is present in population databases (rs148265063, gnomAD 0.02%). This sequence change replaces cysteine, which is neutral and slightly polar, with serine, which is neutral and polar, at codon 838 of the SYNJ1 protein (p.Cys838Ser).